The following is an entry in ClinVar:

NM_001267550.2(TTN):c.12181G>A (p.Ala4061Thr)

Gene: TTN (titin; minus strand). Cytogenetic location: 2q31.2.
Variant type: single nucleotide variant.
Coding change: c.12181G>A on transcript NM_001267550.2 (MANE Select); coding-DNA position 12181, G replaced by A.
Protein change: p.Ala4061Thr; replaces alanine 4061 with threonine.
Molecular consequence: missense variant. On other transcripts: intron variant (1).
Genome position (GRCh38, 1-based): chr2:178,741,052, C>T on the plus strand (G>A on the coding strand, the complement: TTN is on the minus strand). VCF-style: chr2-178741052-C-T. GRCh37 (hg19) VCF-style: chr2-179605779-C-T.
Other names: c.11230G>A, p.Ala3744Thr (NM_001256850.1); c.11467G>A, p.Ala3823Thr (NM_133432.3); c.11092G>A, p.Ala3698Thr (NM_003319.4); c.11668G>A, p.Ala3890Thr (NM_133437.4); c.10361-2692G>A (NM_133378.4); short protein forms A4061T, A3823T, A3744T, A3698T, A3890T.
Identifiers: ClinVar variation 47819 (VCV000047819.58), dbSNP rs397517829, ClinGen allele CA141976.

ClinVar aggregate classification (germline): Conflicting classifications of pathogenicity. Review status: criteria provided, conflicting classifications (1 of 4 stars). 8 submissions from 8 submitters: Uncertain significance (6); Likely benign (2). Last evaluated 2026-09-01.

Conditions:
TTN-related disorder. Also called: TTN-related disorders; TTN-related condition; TTN-related disease.
Cardiovascular phenotype. Identifiers: MedGen CN230736.
Autosomal recessive limb-girdle muscular dystrophy type 2J (LGMDR10). Also called: MUSCULAR DYSTROPHY, LIMB-GIRDLE, AUTOSOMAL RECESSIVE 10; Limb-girdle muscular dystrophy, type 2J. Identifiers: Orphanet 140922, MedGen C1837342, MONDO:0012127, OMIM 608807.
Dilated cardiomyopathy 1G (CMD1G). Identifiers: Orphanet 154, MedGen C1858763, MONDO:0011400, OMIM 604145.

Allele frequency attached by ClinVar (database versions not stated): TOPMed 0.00007; gnomAD exomes 0.00012 and 0.00009; ExAC 0.00017; gnomAD 0.00007 and 0.00008.
gnomAD v4.1: 139 of 1,613,742 alleles (0.0086%); highest among the groups gnomAD compares: Non-Finnish European, 0.0095%; no homozygotes.

Submissions (8):

CeGaT Center for Human Genetics Tuebingen
Classification: Uncertain significance. Last evaluated: 2026-09-01. Review status: criteria provided, single submitter. Criteria: CeGaT Center For Human Genetics Tuebingen Variant Classification Criteria Version 2. Collection method: clinical testing. Allele origin: germline. Affected: yes. Observed: 3 variant alleles.
Comment: TTN: PM2, BP4

PreventionGenetics, part of Exact Sciences
Classification: Uncertain significance for TTN-related condition. Last evaluated: 2025-06-13. Review status: criteria provided, single submitter. Criteria: ACMG Guidelines, 2015. Collection method: clinical testing. Allele origin: germline.
Comment: The TTN c.12181G>A variant is predicted to result in the amino acid substitution p.Ala4061Thr. To our knowledge, this variant has not been reported in the literature. This variant is reported in 0.022% of alleles in individuals of European (Non-Finnish) descent in gnomAD. At this time, the clinical significance of this variant is uncertain due to the absence of conclusive functional and genetic evidence.

Blueprint Genetics
Classification: Likely benign. Last evaluated: 2024-09-03. Review status: criteria provided, single submitter. Criteria: ACMG Guidelines, 2015. Collection method: clinical testing. Allele origin: germline.

Ambry Genetics
Classification: Uncertain significance for Cardiovascular phenotype. Last evaluated: 2019-11-08. Review status: criteria provided, single submitter. Criteria: Ambry Variant Classification Scheme 2023. Collection method: clinical testing. Allele origin: germline.
Comment: The p.A3698T variant (also known as c.11092G>A), located in coding exon 44 of the TTN gene, results from a G to A substitution at nucleotide position 11092. The alanine at codon 3698 is replaced by threonine, an amino acid with similar properties. This amino acid position is poorly conserved in available vertebrate species. In addition, this alteration is predicted to be tolerated by in silico analysis. Since supporting evidence is limited at this time, the clinical significance of this alteration remains unclear.

Eurofins Ntd Llc (ga)
Classification: Uncertain significance. Last evaluated: 2018-07-10. Review status: criteria provided, single submitter. Criteria: EGL ClinVar v180209 classification definitions. Collection method: clinical testing. Allele origin: germline. Observed: 2 variant alleles, 2 heterozygotes.

GeneDx
Classification: Likely benign. Last evaluated: 2018-01-31. Review status: criteria provided, single submitter. Criteria: GeneDx Variant Classification (06012015). Collection method: clinical testing. Allele origin: germline. Affected: yes.
Comment: This variant is considered likely benign or benign based on one or more of the following criteria: it is a conservative change, it occurs at a poorly conserved position in the protein, it is predicted to be benign by multiple in silico algorithms, and/or has population frequency not consistent with disease.

Labcorp Genetics (formerly Invitae), Labcorp
Classification: Uncertain significance for Dilated cardiomyopathy 1G; Autosomal recessive limb-girdle muscular dystrophy type 2J. Last evaluated: 2016-10-12. Review status: criteria provided, single submitter. Criteria: Invitae Variant Classification Sherloc (09022015). Collection method: clinical testing. Allele origin: germline.

Laboratory for Molecular Medicine, Mass General Brigham Personalized Medicine
Classification: Uncertain significance. Last evaluated: 2012-09-24. Review status: criteria provided, single submitter. Criteria: LMM Criteria. Collection method: clinical testing. Allele origin: germline. Observed: 1 variant allele.
Comment: The Ala3823Thr variant in TTN has not been reported in the literature nor previo usly identified by our laboratory. Computational analyses (biochemical amino aci d properties, conservation, AlignGVGD, PolyPhen2, and SIFT) do not provide stron g support for or against an impact to the protein. Additional information is nee ded to fully assess the clinical significance of this variant.